The following is an entry in ClinVar:

NM_000341.4(SLC3A1):c.1334T>C (p.Ile445Thr)

Gene: SLC3A1 (solute carrier family 3 member 1; plus strand). Cytogenetic location: 2p21.
Variant type: single nucleotide variant.
Coding change: c.1334T>C on transcript NM_000341.4 (MANE Select); coding-DNA position 1334, T replaced by C.
Protein change: p.Ile445Thr; replaces isoleucine 445 with threonine.
Molecular consequence: missense variant.
Genome position (GRCh38, 1-based): chr2:44,312,587, T>C. VCF-style: chr2-44312587-T-C. GRCh37 (hg19) VCF-style: chr2-44539726-T-C.
Other names: short protein forms I445T.
Identifiers: ClinVar variation 225474 (VCV000225474.9), dbSNP rs187962930, ClinGen allele CA1640549.

ClinVar aggregate classification (germline): Uncertain significance. Review status: criteria provided, multiple submitters, no conflicts (2 of 4 stars). 4 submissions from 4 submitters: Uncertain significance (4). Last evaluated 2024-05-16.

Conditions:
Cystinuria (CSNU). Also called: CYSTINURIA, TYPE I; CYSTINURIA, TYPE II; CYSTINURIA, TYPE III; Cystinuria, non-type I. Identifiers: Orphanet 214, MedGen C0010691, MONDO:0009067, OMIM 220100, HP:0003131.

Allele frequency attached by ClinVar (database versions not stated): gnomAD exomes 0.00002; TOPMed 0.00002; gnomAD 0.00003 and 0.00005; ExAC 0.00005; 1000 Genomes Project 30x 0.00031; 1000 Genomes Project 0.00040.
gnomAD v4.1: 109 of 1,613,872 alleles (0.0068%); highest among the groups gnomAD compares: East Asian, 0.23%; no homozygotes.

Submissions (4):

Fulgent Genetics
Classification: Uncertain significance for Cystinuria. Last evaluated: 2024-05-16. Review status: criteria provided, single submitter. Criteria: ACMG Guidelines, 2015. Collection method: clinical testing. Allele origin: germline.

Labcorp Genetics (formerly Invitae), Labcorp
Classification: Uncertain significance for Cystinuria. Last evaluated: 2023-11-22. Review status: criteria provided, single submitter. Criteria: Invitae Variant Classification Sherloc (09022015). Collection method: clinical testing. Allele origin: germline.
Comment: This sequence change replaces isoleucine, which is neutral and non-polar, with threonine, which is neutral and polar, at codon 445 of the SLC3A1 protein (p.Ile445Thr). This variant is present in population databases (rs187962930, gnomAD 0.02%). This missense change has been observed in individual(s) with cystinuria (PMID: 10620184). ClinVar contains an entry for this variant (Variation ID: 225474). Algorithms developed to predict the effect of missense changes on protein structure and function output the following: SIFT: "Not Available"; PolyPhen-2: "Benign"; Align-GVGD: "Not Available". The threonine amino acid residue is found in multiple mammalian species, which suggests that this missense change does not adversely affect protein function. In summary, the available evidence is currently insufficient to determine the role of this variant in disease. Therefore, it has been classified as a Variant of Uncertain Significance.

Revvity Omics, Revvity
Classification: Uncertain significance for Cystinuria. Last evaluated: 2023-01-23. Review status: criteria provided, single submitter. Criteria: ACMG Guidelines, 2015. Collection method: clinical testing. Allele origin: germline.

Soonchunhyang University Bucheon Hospital, Soonchunhyang University Medical Center
Classification: Uncertain significance for Cystinuria. Last evaluated: 2016-03-18. Review status: criteria provided, single submitter. Criteria: ACMG Guidelines, 2015. Collection method: reference population. Allele origin: germline. Observed: 2 variant alleles.

Literature cited by the submitters: PubMed 10620184 (cited by Labcorp Genetics (formerly Invitae), Labcorp and Soonchunhyang University Bucheon Hospital, Soonchunhyang University Medical Center).